The following is an entry in ClinVar:

ClinVar aggregate classification (germline): Uncertain significance (1 of 4 stars; one submission).

Submission:

Labcorp Genetics (formerly Invitae), Labcorp
Classification: Uncertain significance. Last evaluated: 2022-04-01. Review status: criteria provided, single submitter. Criteria: Invitae Variant Classification Sherloc (09022015). Collection method: clinical testing. Allele origin: germline.
Comment: In summary, the available evidence is currently insufficient to determine the role of this variant in disease. Therefore, it has been classified as a Variant of Uncertain Significance. This sequence change replaces alanine, which is neutral and non-polar, with valine, which is neutral and non-polar, at codon 1667 of the SZT2 protein (p.Ala1667Val). This variant is not present in population databases (gnomAD no frequency). This variant has not been reported in the literature in individuals affected with SZT2-related conditions. Algorithms developed to predict the effect of missense changes on protein structure and function (SIFT, PolyPhen-2, Align-GVGD) all suggest that this variant is likely to be disruptive.

NM_001365999.1(SZT2):c.5171C>T (p.Ala1724Val)

Gene: SZT2 (SZT2 subunit of KICSTOR complex; plus strand). Cytogenetic location: 1p34.2.
Variant type: single nucleotide variant.
Coding change: c.5171C>T on transcript NM_001365999.1 (MANE Select); coding-DNA position 5171, C replaced by T.
Protein change: p.Ala1724Val; replaces alanine 1724 with valine.
Molecular consequence: missense variant.
Genome position (GRCh38, 1-based): chr1:43,431,798, C>T. VCF-style: chr1-43431798-C-T. GRCh37 (hg19) VCF-style: chr1-43897469-C-T.
Other names: c.5000C>T, p.Ala1667Val (NM_015284.4); short protein forms A1667V, A1724V.
Identifiers: ClinVar variation 2089935 (VCV002089935.4), dbSNP rs2153934073, ClinGen allele CA340023551.